The following is an entry in ClinVar:

ClinVar aggregate classification (germline): Likely benign (1 of 4 stars; one submission).

Conditions:
Triglyceride storage disease with ichthyosis (CDS). Also called: Chanarin-Dorfman Syndrome; ICHTHYOSIFORM ERYTHRODERMA WITH LEUKOCYTE VACUOLATION; TRIGLYCERIDE STORAGE DISEASE WITH IMPAIRED LONG-CHAIN FATTY ACID OXIDATION; Dorfman-Chanarin disease. Identifiers: Orphanet 98907, MedGen C0268238, MONDO:0010155, OMIM 275630.

Allele frequency attached by ClinVar (database versions not stated): gnomAD 0.00066 and 0.00067; TOPMed 0.00069; gnomAD exomes 0.00008; 1000 Genomes Project 30x 0.00047; 1000 Genomes Project 0.00060.
gnomAD v4.1: 193 of 1,200,914 alleles (0.016%); highest among the groups gnomAD compares: African/African-American, 0.24%; 2 homozygotes.

Submission:

Illumina Laboratory Services, Illumina
Classification: Likely benign for Triglyceride storage disease with ichthyosis. Last evaluated: 2018-01-12. Review status: criteria provided, single submitter. Criteria: ICSL Variant Classification Criteria 13 December 2019. Collection method: clinical testing. Allele origin: germline.
Comment: This variant was observed in the ICSL laboratory as part of a predisposition screen in an ostensibly healthy population. It had not been previously curated by ICSL or reported in the Human Gene Mutation Database (HGMD: prior to June 1st, 2018), and was therefore a candidate for classification through an automated scoring system. Utilizing variant allele frequency, disease prevalence and penetrance estimates, and inheritance mode, an automated score was calculated to assess if this variant is too frequent to cause the disease. Based on the score and internal cut-off values, a variant classified as likely benign is not then subjected to further curation. The score for this variant resulted in a classification of likely benign for this disease.

NM_016006.6(ABHD5):c.*96A>G

Gene: ABHD5 (abhydrolase domain containing 5, lysophosphatidic acid acyltransferase; plus strand). Cytogenetic location: 3p21.33.
Variant type: single nucleotide variant.
Coding change: c.*96A>G on transcript NM_016006.6 (MANE Select); 96 bases downstream of the stop codon, A replaced by G.
Molecular consequence: 3 prime UTR variant. On other transcripts: non-coding transcript variant (1), intron variant (1).
Genome position (GRCh38, 1-based): chr3:43,718,628, A>G. VCF-style: chr3-43718628-A-G. GRCh37 (hg19) VCF-style: chr3-43760120-A-G.
Other names: c.*96A>G (NM_001365649.1); c.*122A>G (NM_001365650.1); c.*29+67A>G (NM_001355186.2).
Identifiers: ClinVar variation 901387 (VCV000901387.4), dbSNP rs145145864, ClinGen allele CA74393265.